The following is an entry in ClinVar:

ClinVar aggregate classification (germline): Uncertain significance (1 of 4 stars; one submission).

Conditions:
Combined oxidative phosphorylation deficiency 50. Identifiers: MedGen C5436623, MONDO:0033570, OMIM 619025.

gnomAD v4.1: 2 of 1,614,188 alleles (0.00012%); highest among the groups gnomAD compares: East Asian, 0.0045%; no homozygotes.

Submission:

Juno Genomics, Hangzhou Juno Genomics, Inc
Classification: Uncertain significance for Combined oxidative phosphorylation deficiency 50. Review status: criteria provided, single submitter. Criteria: ACMG Guidelines, 2015. Collection method: clinical testing. Allele origin: germline.
Comment: Absent from controls (or at extremely low frequency if recessive) in Genome Aggregation Database.;Multiple lines of computational evidence support a deleterious effect on the gene or gene product.

NM_022497.5(MRPS25):c.296T>G (p.Met99Arg)

Gene: MRPS25 (mitochondrial ribosomal protein S25; minus strand). Cytogenetic location: 3p25.1.
Variant type: single nucleotide variant.
Coding change: c.296T>G on transcript NM_022497.5 (MANE Select); coding-DNA position 296, T replaced by G.
Protein change: p.Met99Arg; replaces methionine 99 with arginine.
Molecular consequence: missense variant. On other transcripts: non-coding transcript variant (2).
Genome position (GRCh38, 1-based): chr3:15,053,413, A>C on the plus strand (T>G on the coding strand, the complement: MRPS25 is on the minus strand). VCF-style: chr3-15053413-A-C. GRCh37 (hg19) VCF-style: chr3-15094920-A-C.
Other names: short protein forms M99R.
Identifiers: ClinVar variation 5019284 (VCV005019284.2).